The following is an entry in ClinVar:

NM_032119.4(ADGRV1):c.4089del (p.Asn1364fs)

Gene: ADGRV1 (adhesion G protein-coupled receptor V1; plus strand). Cytogenetic location: 5q14.3.
Variant type: Deletion.
Coding change: c.4089del on transcript NM_032119.4 (MANE Select); coding-DNA position 4089, one base deleted (C; older notation c.4089delC).
Protein change: p.Asn1364fs; shifts the reading frame from asparagine 1364.
Molecular consequence: frameshift variant. On other transcripts: non-coding transcript variant (1).
Genome position (GRCh38, 1-based): chr5:90,653,663, C deleted; the last of 3 consecutive C bases (chr5:90,653,661-90,653,663); deleting any one gives the same sequence. VCF-style (leftmost placement, unchanged base first): chr5-90653660-GC-G. GRCh37 (hg19) VCF-style: chr5-89949477-GC-G.
Other names: short protein forms N1364fs.
Identifiers: ClinVar variation 2969894 (VCV002969894.3), dbSNP rs2532090185, ClinGen allele CA2740091775.

ClinVar aggregate classification (germline): Pathogenic (1 of 4 stars; one submission).

Submission:

Labcorp Genetics (formerly Invitae), Labcorp
Classification: Pathogenic. Last evaluated: 2025-04-01. Review status: criteria provided, single submitter. Criteria: Invitae Variant Classification Sherloc (09022015). Collection method: clinical testing. Allele origin: germline.
Comment: This sequence change creates a premature translational stop signal (p.Asn1364Metfs*9) in the ADGRV1 gene. It is expected to result in an absent or disrupted protein product. Loss-of-function variants in ADGRV1 are known to be pathogenic (PMID: 19357117, 22135276, 22147658, 26226137, 30718709, 31047384, 32467589). This variant is not present in population databases (gnomAD no frequency). This variant has not been reported in the literature in individuals affected with ADGRV1-related conditions. ClinVar contains an entry for this variant (Variation ID: 2969894). For these reasons, this variant has been classified as Pathogenic.

Literature cited by the submitters: PubMed 19357117; PubMed 22135276; PubMed 22147658; PubMed 26226137; PubMed 30718709; PubMed 31047384; PubMed 32467589.